The following is an entry in ClinVar:

ClinVar aggregate classification (germline): Uncertain significance. Review status: criteria provided, multiple submitters, no conflicts (2 of 4 stars). 2 submissions from 2 submitters: Uncertain significance (2). Last evaluated 2025-04-11.

gnomAD v4.1: 6 of 1,613,692 alleles (0.00037%); highest among the groups gnomAD compares: African/African-American, 0.0013%; no homozygotes.

Submissions (2):

GeneDx
Classification: Uncertain significance. Last evaluated: 2025-04-11. Review status: criteria provided, single submitter. Criteria: GeneDx Variant Classification Process June 2021. Collection method: clinical testing. Allele origin: germline.
Comment: Not observed at significant frequency in large population cohorts (gnomAD); In silico analysis indicates that this missense variant does not alter protein structure/function; Has not been previously published as pathogenic or benign to our knowledge

Labcorp Genetics (formerly Invitae), Labcorp
Classification: Uncertain significance. Last evaluated: 2023-05-28. Review status: criteria provided, single submitter. Criteria: Invitae Variant Classification Sherloc (09022015). Collection method: clinical testing. Allele origin: germline.
Comment: In summary, the available evidence is currently insufficient to determine the role of this variant in disease. Therefore, it has been classified as a Variant of Uncertain Significance. An algorithm developed to predict the effect of missense changes on protein structure and function (PolyPhen-2) suggests that this variant is likely to be disruptive. ClinVar contains an entry for this variant (Variation ID: 1719860). This variant has not been reported in the literature in individuals affected with CACNA1D-related conditions. This variant is not present in population databases (gnomAD no frequency). This sequence change replaces threonine, which is neutral and polar, with serine, which is neutral and polar, at codon 2018 of the CACNA1D protein (p.Thr2018Ser).

NM_001128840.3(CACNA1D):c.5993C>G (p.Thr1998Ser)

Gene: CACNA1D (calcium voltage-gated channel subunit alpha1 D; plus strand). Cytogenetic location: 3p21.1.
Variant type: single nucleotide variant.
Coding change: c.5993C>G on transcript NM_001128840.3 (MANE Select); coding-DNA position 5993, C replaced by G.
Protein change: p.Thr1998Ser; replaces threonine 1998 with serine.
Molecular consequence: missense variant.
Genome position (GRCh38, 1-based): chr3:53,810,099, C>G. VCF-style: chr3-53810099-C-G. GRCh37 (hg19) VCF-style: chr3-53844126-C-G.
Other names: c.6053C>G, p.Thr2018Ser (NM_000720.4); c.5921C>G, p.Thr1974Ser (NM_001128839.3); c.6053C>G (NM_000720.2); short protein forms T1974S, T1998S, T2018S.
Identifiers: ClinVar variation 1719860 (VCV001719860.7), dbSNP rs141581705, ClinGen allele CA353258243.
Genomic context (GRCh38, chr3:53,810,099, plus strand): 5'-CCCGGTCGTGGGCCACCCCTCCAGCAACCCCTCCCTACCGGGACTGGACACCGTGCTACA[C>G]CCCCCTGATCCAAGTGGAGCAGTCAGAGGCCCTGGACCAGGTGAACGGCAGCCTGCCGTC-3'
Protein context (NP_001122312.1, residues 1988-2008): PPYRDWTPCY[Thr1998Ser]PLIQVEQSEA